The following is an entry in ClinVar:

NM_006514.4(SCN10A):c.3571A>T (p.Arg1191Trp)

Gene: SCN10A (sodium voltage-gated channel alpha subunit 10; minus strand). Cytogenetic location: 3p22.2.
Variant type: single nucleotide variant.
Coding change: c.3571A>T on transcript NM_006514.4 (MANE Select); coding-DNA position 3571, A replaced by T.
Protein change: p.Arg1191Trp; replaces arginine 1191 with tryptophan.
Molecular consequence: missense variant.
Genome position (GRCh38, 1-based): chr3:38,718,763, T>A on the plus strand (A>T on the coding strand, the complement: SCN10A is on the minus strand). VCF-style: chr3-38718763-T-A. GRCh37 (hg19) VCF-style: chr3-38760254-T-A.
Other names: c.3568A>T, p.Arg1190Trp (NM_001293306.2); c.3277A>T, p.Arg1093Trp (NM_001293307.2); short protein forms R1093W, R1190W, R1191W.
Identifiers: ClinVar variation 1309383 (VCV001309383.4), dbSNP rs773662455, ClinGen allele CA352153224.

ClinVar aggregate classification (germline): Uncertain significance. Review status: criteria provided, multiple submitters, no conflicts (2 of 4 stars). 2 submissions from 2 submitters: Uncertain significance (2). Last evaluated 2020-10-08.

Conditions:
Cardiovascular phenotype. Identifiers: MedGen CN230736.

Allele frequency attached by ClinVar (database versions not stated): TOPMed below 0.00001; gnomAD 0.00001.

Submissions (2):

Ambry Genetics
Classification: Uncertain significance for Cardiovascular phenotype. Last evaluated: 2020-10-08. Review status: criteria provided, single submitter. Criteria: Ambry Variant Classification Scheme 2023. Collection method: clinical testing. Allele origin: germline.
Comment: The p.R1191W variant (also known as c.3571A>T), located in coding exon 20 of the SCN10A gene, results from an A to T substitution at nucleotide position 3571. The arginine at codon 1191 is replaced by tryptophan, an amino acid with dissimilar properties. This amino acid position is not well conserved in available vertebrate species. In addition, the in silico prediction for this alteration is inconclusive. Since supporting evidence is limited at this time, the clinical significance of this alteration remains unclear.

GeneDx
Classification: Uncertain significance. Last evaluated: 2019-10-22. Review status: criteria provided, single submitter. Criteria: GeneDx Variant Classification Process June 2021. Collection method: clinical testing. Allele origin: germline. Affected: yes.
Comment: Not observed in large population cohorts (Lek et al., 2016); In silico analysis, which includes protein predictors and evolutionary conservation, supports a deleterious effect; Has not been previously published as pathogenic or benign to our knowledge